The following is an entry in ClinVar:

ClinVar aggregate classification (germline): Likely pathogenic (1 of 4 stars; one submission).

Conditions:
F11-related disorder. Also called: F11-related condition.

Submission:

PreventionGenetics, part of Exact Sciences
Classification: Likely pathogenic for F11-related condition. Last evaluated: 2023-02-23. Review status: criteria provided, single submitter. Criteria: ACMG Guidelines, 2015. Collection method: clinical testing. Allele origin: germline.
Comment: The F11 c.1136-1G>A variant is predicted to disrupt the AG splice acceptor site and interfere with normal splicing. To our knowledge, this variant has not been reported in the literature or in a large population database, indicating this variant is rare. Variants that disrupt the consensus splice acceptor site in F11 are expected to be pathogenic. This variant is interpreted as likely pathogenic.

NM_000128.4(F11):c.1136-1G>A

Gene: F11 (coagulation factor XI; plus strand). Cytogenetic location: 4q35.2.
Variant type: single nucleotide variant.
Coding change: c.1136-1G>A on transcript NM_000128.4 (MANE Select); the canonical splice acceptor site of the intron before coding-DNA position 1136, G replaced by A.
Molecular consequence: splice acceptor variant.
Genome position (GRCh38, 1-based): chr4:186,284,091, G>A. VCF-style: chr4-186284091-G-A. GRCh37 (hg19) VCF-style: chr4-187205245-G-A.
Identifiers: ClinVar variation 2630414 (VCV002630414.1), dbSNP rs941166157, ClinGen allele CA358941471.